The following is an entry in ClinVar:

NM_002474.3(MYH11):c.4187G>A (p.Arg1396Lys)

Genes: MYH11 (myosin heavy chain 11; minus strand), NDE1 (nudE neurodevelopment protein 1; plus strand). Cytogenetic location: 16p13.11.
Variant type: single nucleotide variant.
Coding change: c.4187G>A on transcript NM_002474.3 (MANE Select); coding-DNA position 4187, G replaced by A.
Protein change: p.Arg1396Lys; replaces arginine 1396 with lysine.
Molecular consequence: missense variant. On other transcripts: 3 prime UTR variant (2).
Genome position (GRCh38, 1-based): chr16:15,724,339, C>T on the plus strand (G>A on the coding strand, the complement: MYH11 is on the minus strand). VCF-style: chr16-15724339-C-T. GRCh37 (hg19) VCF-style: chr16-15818196-C-T.
Other names: c.4208G>A, p.Arg1403Lys (NM_001040113.2, NM_001040114.2); c.4187G>A, p.Arg1396Lys (NM_022844.3); c.*88C>T (NM_001143979.2, NM_017668.3); short protein forms R1396K, R1403K.
Identifiers: ClinVar variation 920682 (VCV000920682.10), dbSNP rs755794886, ClinGen allele CA7921743.

ClinVar aggregate classification (germline): Conflicting classifications of pathogenicity. Review status: criteria provided, conflicting classifications (1 of 4 stars). 4 submissions from 4 submitters: Uncertain significance (1); Likely benign (3). Last evaluated 2025-02-20.

Conditions:
Familial thoracic aortic aneurysm and aortic dissection (TAAD). Also called: Thoracic aortic aneurysms and dissections. Identifiers: Orphanet 91387, MedGen C4707243, MONDO:0019625.
Aortic aneurysm, familial thoracic 4 (AAT4). Also called: AORTIC ANEURYSM/AORTIC DISSECTION AND PATENT DUCTUS ARTERIOSUS. Identifiers: MedGen C1851504, MONDO:0007568, OMIM 132900.

Allele frequency attached by ClinVar (database versions not stated): gnomAD exomes 0.00001; ExAC 0.00002; gnomAD 0.00002; TOPMed 0.00002.
gnomAD v4.1: 11 of 1,614,018 alleles (0.00068%); highest among the groups gnomAD compares: East Asian, 0.022%; no homozygotes.

Submissions (4):

Labcorp Genetics (formerly Invitae), Labcorp
Classification: Uncertain significance for Aortic aneurysm, familial thoracic 4. Last evaluated: 2025-02-20. Review status: criteria provided, single submitter. Criteria: Invitae Variant Classification Sherloc (09022015). Collection method: clinical testing. Allele origin: germline.
Comment: This sequence change replaces arginine, which is basic and polar, with lysine, which is basic and polar, at codon 1403 of the MYH11 protein (p.Arg1403Lys). The frequency data for this variant in the population databases is considered unreliable, as metrics indicate poor data quality at this position in the gnomAD database. This missense change has been observed in individuals with thoracic aortic aneurysm and dissection (PMID: 36517271). This variant is also known as c.4187G>A (p.Arg1396Lys). ClinVar contains an entry for this variant (Variation ID: 920682). Invitae Evidence Modeling of protein sequence and biophysical properties (such as structural, functional, and spatial information, amino acid conservation, physicochemical variation, residue mobility, and thermodynamic stability) indicates that this missense variant is not expected to disrupt MYH11 protein function with a negative predictive value of 95%. In summary, the available evidence is currently insufficient to determine the role of this variant in disease. Therefore, it has been classified as a Variant of Uncertain Significance.

Color Diagnostics, LLC DBA Color Health
Classification: Likely benign for Familial thoracic aortic aneurysm and aortic dissection. Last evaluated: 2024-09-12. Review status: criteria provided, single submitter. Criteria: ACMG Guidelines, 2015. Collection method: clinical testing. Allele origin: germline.

All of Us Research Program, National Institutes of Health
Classification: Likely benign for Familial thoracic aortic aneurysm and aortic dissection. Last evaluated: 2024-05-30. Review status: criteria provided, single submitter. Criteria: ACMG Guidelines, 2015. Collection method: clinical testing. Allele origin: germline. Inheritance: Autosomal dominant inheritance. Observed: 2 variant alleles, 2 heterozygotes.
Comment: This study involves interpretation of variants in research participants for the purpose of population health screening. Participant phenotype was not available at the time of variant classification. Additional details can be found in publication PMID: 35346344, PMCID: PMC8962531

Ambry Genetics
Classification: Likely benign for Familial thoracic aortic aneurysm and aortic dissection. Last evaluated: 2023-12-10. Review status: criteria provided, single submitter. Criteria: Ambry Variant Classification Scheme 2023. Collection method: clinical testing. Allele origin: germline.

Literature cited by the submitters: PubMed 36517271 (cited by Labcorp Genetics (formerly Invitae), Labcorp).